The following is an entry in ClinVar:

ClinVar aggregate classification (germline): Uncertain significance (1 of 4 stars; one submission).

Submission:

GeneDx
Classification: Uncertain significance. Last evaluated: 2019-11-25. Review status: criteria provided, single submitter. Criteria: GeneDx Variant Classification Process June 2021. Collection method: clinical testing. Allele origin: germline. Affected: yes.
Comment: Not observe in large population cohorts (Lek et al., 2016); In silico analysis, which includes protein predictors and evolutionary conservation, supports a deleterious effect; Has not been previously published as pathogenic or benign to our knowledge

NM_016284.5(CNOT1):c.1846T>G (p.Cys616Gly)

Gene: CNOT1 (CCR4-NOT transcription complex subunit 1; minus strand). Cytogenetic location: 16q21.
Variant type: single nucleotide variant.
Coding change: c.1846T>G on transcript NM_016284.5 (MANE Select); coding-DNA position 1846, T replaced by G.
Protein change: p.Cys616Gly; replaces cysteine 616 with glycine.
Molecular consequence: missense variant. On other transcripts: non-coding transcript variant (1).
Genome position (GRCh38, 1-based): chr16:58,574,742, A>C on the plus strand (T>G on the coding strand, the complement: CNOT1 is on the minus strand). VCF-style: chr16-58574742-A-C. GRCh37 (hg19) VCF-style: chr16-58608646-A-C.
Other names: c.1846T>G, p.Cys616Gly (NM_001265612.2, NM_206999.3); short protein forms C616G.
Identifiers: ClinVar variation 1310341 (VCV001310341.2), dbSNP rs2151965054, ClinGen allele CA396139368.